The following is an entry in ClinVar:

NM_001715.3(BLK):c.391C>T (p.Arg131Trp)

Genes: BLK (BLK proto-oncogene, Src family tyrosine kinase), LOC126860303 (CDK7 strongly-dependent group 2 enhancer GRCh37_chr8:11407118-11408317). Cytogenetic location: 8p23.1.
Variant type: single nucleotide variant.
Coding change: c.391C>T on transcript NM_001715.3 (MANE Select); coding-DNA position 391, C replaced by T.
Protein change: p.Arg131Trp; replaces arginine 131 with tryptophan.
Molecular consequence: missense variant.
Genome position (GRCh38, 1-based): chr8:11,550,181, C>T. VCF-style: chr8-11550181-C-T. GRCh37 (hg19) VCF-style: chr8-11407690-C-T.
Other names: c.178C>T, p.Arg60Trp (NM_001330465.2); short protein forms R131W, R60W.
Identifiers: ClinVar variation 619201 (VCV000619201.34), dbSNP rs73663163, ClinGen allele CA4629867.

ClinVar aggregate classification (germline): Conflicting classifications of pathogenicity. Review status: criteria provided, conflicting classifications (1 of 4 stars). 8 submissions from 8 submitters: Uncertain significance (1); Benign (1); Likely benign (3). 3 of the submissions do not count toward it. Last evaluated 2026-01-05.

Conditions:
Systemic lupus erythematosus (SLE). Identifiers: Orphanet 536, MedGen C0024141, MONDO:0007915, OMIM 152700, HP:0002725.
Maturity-onset diabetes of the young type 11. Identifiers: Orphanet 552, MedGen C3150618, MONDO:0013242, OMIM 613375.

Allele frequency attached by ClinVar (database versions not stated): 1000 Genomes Project 30x 0.00016; TOPMed 0.00080.
gnomAD v4.1: 1,372 of 1,614,070 alleles (0.085%); highest among the groups gnomAD compares: Non-Finnish European, 0.11%; no homozygotes.

Submissions (8):

Labcorp Genetics (formerly Invitae), Labcorp
Classification: Uncertain significance. Last evaluated: 2026-01-05. Review status: criteria provided, single submitter. Criteria: Invitae Variant Classification Sherloc (09022015). Collection method: clinical testing. Allele origin: germline.
Comment: This sequence change replaces arginine, which is basic and polar, with tryptophan, which is neutral and slightly polar, at codon 131 of the BLK protein (p.Arg131Trp). This variant is present in population databases (rs73663163, gnomAD 0.09%), and has an allele count higher than expected for a pathogenic variant. This missense change has been observed in individual(s) with clinical features of autoimmune disorder (PMID: 31101814). ClinVar contains an entry for this variant (Variation ID: 619201). An algorithm developed to predict the effect of missense changes on protein structure and function (PolyPhen-2) suggests that this variant is likely to be disruptive. Experimental studies have shown that this missense change affects BLK function (PMID: 31101814). In summary, the available evidence is currently insufficient to determine the role of this variant in disease. Therefore, it has been classified as a Variant of Uncertain Significance.

Blueprint Genetics
Classification: Likely benign. Last evaluated: 2024-10-11. Review status: criteria provided, single submitter. Criteria: ACMG Guidelines, 2015. Collection method: clinical testing. Allele origin: germline.

CeGaT Center for Human Genetics Tuebingen
Classification: Likely benign. Last evaluated: 2024-04-01. Review status: criteria provided, single submitter. Criteria: CeGaT Center For Human Genetics Tuebingen Variant Classification Criteria Version 2. Collection method: clinical testing. Allele origin: germline. Affected: yes. Observed: 1 variant allele.
Comment: BLK: BS1

Mendelics
Classification: Benign. Last evaluated: 2022-05-04. Review status: criteria provided, single submitter. Criteria: Mendelics Assertion Criteria 2019. Collection method: clinical testing. Allele origin: germline.

Illumina Laboratory Services, Illumina
Classification: Likely benign for Maturity-onset diabetes of the young type 11. Last evaluated: 2017-07-22. Review status: criteria provided, single submitter. Criteria: ICSL Variant Classification Criteria 13 December 2019. Collection method: clinical testing. Allele origin: germline.
Comment: This variant was observed as part of a predisposition screen in an ostensibly healthy population. A literature search was performed for the gene, cDNA change, and amino acid change (where applicable). No publications were found based on this search. Allele frequency data from public databases allowed determination this variant is unlikely to cause disease. Therefore, this variant is classified as likely benign.

Carola Vinuesa Lab, John Curtin School of Medical Research
Classification: Pathogenic for Systemic lupus erythematosus. Review status: no assertion criteria provided. Collection method: research. Allele origin: germline. Affected: yes. Not counted in ClinVar's aggregate classification.

Clinical Genetics DNA and cytogenetics Diagnostics Lab, Erasmus MC, Erasmus Medical Center
Classification: Uncertain significance. Review status: no assertion criteria provided. Collection method: clinical testing. Allele origin: germline. Affected: yes. Study: VKGL Data-share Consensus. Not counted in ClinVar's aggregate classification.

Genome Diagnostics Laboratory, Amsterdam University Medical Center
Classification: Uncertain significance. Review status: no assertion criteria provided. Collection method: clinical testing. Allele origin: germline. Affected: yes. Study: VKGL Data-share Consensus. Not counted in ClinVar's aggregate classification.

Literature cited by the submitters: PubMed 31101814 (cited by Labcorp Genetics (formerly Invitae), Labcorp).